The following is an entry in ClinVar:

NM_016507.4(CDK12):c.709C>T (p.Pro237Ser)

Genes: CDK12 (cyclin dependent kinase 12; plus strand), LOC126862553 (CDK7 strongly-dependent group 2 enhancer GRCh37_chr17:37618166-37619365; plus strand). Cytogenetic location: 17q12.
Variant type: single nucleotide variant.
Coding change: c.709C>T on transcript NM_016507.4 (MANE Select); coding-DNA position 709, C replaced by T.
Protein change: p.Pro237Ser; replaces proline 237 with serine.
Molecular consequence: missense variant.
Genome position (GRCh38, 1-based): chr17:39,462,780, C>T. VCF-style: chr17-39462780-C-T. GRCh37 (hg19) VCF-style: chr17-37619033-C-T.
Other names: c.709C>T, p.Pro237Ser (NM_015083.4); short protein forms P237S.
Identifiers: ClinVar variation 4651349 (VCV004651349.1).

ClinVar aggregate classification (germline): Uncertain significance (1 of 4 stars; one submission).

Submission:

Ambry Genetics
Classification: Uncertain significance. Last evaluated: 2025-10-02. Review status: criteria provided, single submitter. Criteria: Ambry Variant Classification Scheme 2023. Collection method: clinical testing. Allele origin: germline.
Comment: The p.P237S variant (also known as c.709C>T), located in coding exon 1 of the CDK12 gene, results from a C to T substitution at nucleotide position 709. The proline at codon 237 is replaced by serine, an amino acid with similar properties. This amino acid position is conserved. In addition, this alteration is predicted to be tolerated by in silico analysis. Based on the available evidence, the clinical significance of this variant remains unclear.